The following is an entry in ClinVar:

ClinVar aggregate classification (germline): Uncertain significance. Review status: criteria provided, multiple submitters, no conflicts (2 of 4 stars). 4 submissions from 4 submitters: Uncertain significance (4). Last evaluated 2025-11-25.

Conditions:
Hereditary cancer-predisposing syndrome. Also called: Tumor predisposition; Hereditary neoplastic syndrome; Neoplastic Syndromes, Hereditary; Hereditary Cancer Syndrome. Identifiers: Orphanet 140162, MedGen C0027672, MeSH D009386, MONDO:0015356.
Cardiovascular phenotype. Identifiers: MedGen CN230736.
LZTR1-related schwannomatosis. Also called: Schwannomatosis 2; Schwannomatosis-2, susceptibility to. Identifiers: Orphanet 93921, MedGen C3810283, MONDO:0014299, OMIM 615670.

Allele frequency attached by ClinVar (database versions not stated): gnomAD 0.00001; gnomAD exomes 0.00001; TOPMed 0.00002.
gnomAD v4.1: 4 of 1,612,936 alleles (0.00025%); highest among the groups gnomAD compares: Admixed American, 0.0067%; no homozygotes.

Submissions (4):

Labcorp Genetics (formerly Invitae), Labcorp
Classification: Uncertain significance. Last evaluated: 2025-11-25. Review status: criteria provided, single submitter. Criteria: Invitae Variant Classification Sherloc (09022015). Collection method: clinical testing. Allele origin: germline.
Comment: This sequence change replaces lysine, which is basic and polar, with glutamine, which is neutral and polar, at codon 632 of the LZTR1 protein (p.Lys632Gln). This variant is present in population databases (no rsID available, gnomAD 0.009%). This variant has not been reported in the literature in individuals affected with LZTR1-related conditions. ClinVar contains an entry for this variant (Variation ID: 1403709). Invitae Evidence Modeling of protein sequence and biophysical properties (such as structural, functional, and spatial information, amino acid conservation, physicochemical variation, residue mobility, and thermodynamic stability) indicates that this missense variant is not expected to disrupt LZTR1 protein function with a negative predictive value of 80%. In summary, the available evidence is currently insufficient to determine the role of this variant in disease. Therefore, it has been classified as a Variant of Uncertain Significance.

Ambry Genetics
Classification: Uncertain significance for Cardiovascular phenotype; Hereditary cancer-predisposing syndrome. Last evaluated: 2025-05-05. Review status: criteria provided, single submitter. Criteria: Ambry Variant Classification Scheme 2023. Collection method: clinical testing. Allele origin: germline.
Comment: The p.K632Q variant (also known as c.1894A>C), located in coding exon 16 of the LZTR1 gene, results from an A to C substitution at nucleotide position 1894. The lysine at codon 632 is replaced by glutamine, an amino acid with similar properties. This amino acid position is highly conserved in available vertebrate species. In addition, this alteration is predicted to be tolerated by in silico analysis. Since supporting evidence is limited at this time, the clinical significance of this alteration remains unclear.

Baylor Genetics
Classification: Uncertain significance for LZTR1-related schwannomatosis. Last evaluated: 2023-07-03. Review status: criteria provided, single submitter. Criteria: ACMG Guidelines, 2015. Collection method: clinical testing. Allele origin: unknown.

Blueprint Genetics
Classification: Uncertain significance. Last evaluated: 2022-08-19. Review status: criteria provided, single submitter. Criteria: ACMG Guidelines, 2015. Collection method: clinical testing. Allele origin: germline.

NM_006767.4(LZTR1):c.1894A>C (p.Lys632Gln)

Gene: LZTR1 (leucine zipper like post translational regulator 1; plus strand). Cytogenetic location: 22q11.21.
Variant type: single nucleotide variant.
Coding change: c.1894A>C on transcript NM_006767.4 (MANE Select); coding-DNA position 1894, A replaced by C.
Protein change: p.Lys632Gln; replaces lysine 632 with glutamine.
Molecular consequence: missense variant.
Genome position (GRCh38, 1-based): chr22:20,994,978, A>C. VCF-style: chr22-20994978-A-C. GRCh37 (hg19) VCF-style: chr22-21349267-A-C.
Other names: short protein forms K632Q.
Identifiers: ClinVar variation 1403709 (VCV001403709.13), dbSNP rs1353029152, ClinGen allele CA410778675.